The following is an entry in ClinVar:

ClinVar aggregate classification (germline): Uncertain significance. Review status: criteria provided, multiple submitters, no conflicts (2 of 4 stars). 4 submissions from 4 submitters: Uncertain significance (4). Last evaluated 2025-07-16.

Conditions:
Neurofibromatosis, type 2 (SWNV). Also called: BILATERAL ACOUSTIC NEUROFIBROMATOSIS; SCHWANNOMATOSIS, VESTIBULAR; NF2-Related Schwannomatosis. Identifiers: Orphanet 637, MedGen C0027832, MONDO:0007039, OMIM 101000. Disease mechanism: loss of function.
Hereditary cancer-predisposing syndrome. Also called: Tumor predisposition; Neoplastic Syndromes, Hereditary; Hereditary Cancer Syndrome; Hereditary neoplastic syndrome. Identifiers: Orphanet 140162, MedGen C0027672, MeSH D009386, MONDO:0015356.

Submissions (4):

Labcorp Genetics (formerly Invitae), Labcorp
Classification: Uncertain significance for Neurofibromatosis, type 2. Last evaluated: 2025-07-16. Review status: criteria provided, single submitter. Criteria: Invitae Variant Classification Sherloc (09022015). Collection method: clinical testing. Allele origin: germline.
Comment: This sequence change replaces methionine, which is neutral and non-polar, with isoleucine, which is neutral and non-polar, at codon 519 of the NF2 protein (p.Met519Ile). This variant is not present in population databases (gnomAD no frequency). This variant has not been reported in the literature in individuals affected with NF2-related conditions. ClinVar contains an entry for this variant (Variation ID: 662489). Invitae Evidence Modeling of protein sequence and biophysical properties (such as structural, functional, and spatial information, amino acid conservation, physicochemical variation, residue mobility, and thermodynamic stability) indicates that this missense variant is not expected to disrupt NF2 protein function with a negative predictive value of 80%. In summary, the available evidence is currently insufficient to determine the role of this variant in disease. Therefore, it has been classified as a Variant of Uncertain Significance.

Ambry Genetics
Classification: Uncertain significance for Hereditary cancer-predisposing syndrome. Last evaluated: 2025-05-20. Review status: criteria provided, single submitter. Criteria: Ambry Variant Classification Scheme 2023. Collection method: clinical testing. Allele origin: germline.
Comment: The p.M519I variant (also known as c.1557G>A), located in coding exon 14 of the NF2 gene, results from a G to A substitution at nucleotide position 1557. The methionine at codon 519 is replaced by isoleucine, an amino acid with highly similar properties. This amino acid position is conserved. In addition, the in silico prediction for this alteration is inconclusive. Based on the available evidence, the clinical significance of this variant remains unclear.

Genome-Nilou Lab
Classification: Uncertain significance for Neurofibromatosis, type 2. Last evaluated: 2021-11-07. Review status: criteria provided, single submitter. Criteria: ACMG Guidelines, 2015. Collection method: clinical testing. Allele origin: germline. Affected: no.

GeneDx
Classification: Uncertain significance. Last evaluated: 2020-12-17. Review status: criteria provided, single submitter. Criteria: GeneDx Variant Classification Process June 2021. Collection method: clinical testing. Allele origin: germline. Affected: yes.
Comment: Not observed in large population cohorts (Lek et al., 2016); In silico analysis supports that this missense variant does not alter protein structure/function; Has not been previously published as pathogenic or benign to our knowledge

NM_000268.4(NF2):c.1557G>A (p.Met519Ile)

Gene: NF2 (NF2, moesin-ezrin-radixin like (MERLIN) tumor suppressor; plus strand). Cytogenetic location: 22q12.2.
Variant type: single nucleotide variant.
Coding change: c.1557G>A on transcript NM_000268.4 (MANE Select); coding-DNA position 1557, G replaced by A.
Protein change: p.Met519Ile; replaces methionine 519 with isoleucine.
Molecular consequence: missense variant. On other transcripts: non-coding transcript variant (1), intron variant (1).
Genome position (GRCh38, 1-based): chr22:29,678,306, G>A. VCF-style: chr22-29678306-G-A. GRCh37 (hg19) VCF-style: chr22-30074295-G-A.
Other names: c.1557G>A, p.Met519Ile (NM_016418.5, NM_181825.3, NM_181832.3); c.1431G>A, p.Met477Ile (NM_181828.3); c.1434G>A, p.Met478Ile (NM_181829.3); c.1308G>A, p.Met436Ile (NM_181830.3, NM_181831.3); c.448-16446G>A (NM_181833.3); short protein forms M436I, M519I, M477I, M478I.
Identifiers: ClinVar variation 662489 (VCV000662489.13), dbSNP rs1601659358, ClinGen allele CA411149777.
Genomic context (GRCh38, chr22:29,678,306, plus strand): 5'-CCTCATTGGTGACAGCCTGTCTTTCGACTTCAAAGATACTGACATGAAGCGGCTTTCCAT[G>A]GAGATAGAGAAAGAAAAGTATGTAGCCCCCTGTGCCCTGCTGTGGGCAGCTGTGAACTAG-3'
Protein context (NP_000259.1, residues 509-529): FKDTDMKRLS[Met519Ile]EIEKEKVEYM